The following is an entry in ClinVar:

ClinVar aggregate classification (germline): Uncertain significance (0 of 4 stars; one submission).

Conditions:
DMXL2-related disorder. Also called: DMXL2-related condition.

Submission:

PreventionGenetics, part of Exact Sciences
Classification: Uncertain significance for DMXL2-related condition. Last evaluated: 2024-04-16. Review status: no assertion criteria provided. Collection method: clinical testing. Allele origin: germline.
Comment: The DMXL2 c.1043T>G variant is predicted to result in the amino acid substitution p.Ile348Ser. To our knowledge, this variant has not been reported in the literature or in a large population database, indicating this variant is rare. At this time, the clinical significance of this variant is uncertain due to the absence of conclusive functional and genetic evidence.

NM_001378457.1(DMXL2):c.1043T>G (p.Ile348Ser)

Gene: DMXL2 (Dmx like 2; minus strand). Cytogenetic location: 15q21.2.
Variant type: single nucleotide variant.
Coding change: c.1043T>G on transcript NM_001378457.1 (MANE Select); coding-DNA position 1043, T replaced by G.
Protein change: p.Ile348Ser; replaces isoleucine 348 with serine.
Molecular consequence: missense variant. On other transcripts: non-coding transcript variant (2).
Genome position (GRCh38, 1-based): chr15:51,542,395, A>C on the plus strand (T>G on the coding strand, the complement: DMXL2 is on the minus strand). VCF-style: chr15-51542395-A-C. GRCh37 (hg19) VCF-style: chr15-51834592-A-C.
Other names: c.1043T>G, p.Ile348Ser (NM_001174116.3, NM_001174117.3, NM_001378458.1 and 7 more transcripts); short protein forms I348S.
Identifiers: ClinVar variation 3349328 (VCV003349328.1).